The following is an entry in ClinVar:

NM_000799.4(EPO):c.410G>A (p.Arg137Gln)

Gene: EPO (erythropoietin; plus strand). Cytogenetic location: 7q22.1.
Variant type: single nucleotide variant.
Coding change: c.410G>A on transcript NM_000799.4 (MANE Select); coding-DNA position 410, G replaced by A.
Protein change: p.Arg137Gln; replaces arginine 137 with glutamine.
Molecular consequence: missense variant.
Genome position (GRCh38, 1-based): chr7:100,722,827, G>A. VCF-style: chr7-100722827-G-A. GRCh37 (hg19) VCF-style: chr7-100320450-G-A.
Other names: short protein forms R137Q.
Identifiers: ClinVar variation 3353709 (VCV003353709.1).

ClinVar aggregate classification (germline): Uncertain significance (0 of 4 stars; one submission).

Conditions:
EPO-related disorder. Also called: EPO-related condition.

gnomAD v4.1: 11 of 1,613,092 alleles (0.00068%); highest among the groups gnomAD compares: East Asian, 0.0022%; no homozygotes.

Submission:

PreventionGenetics, part of Exact Sciences
Classification: Uncertain significance for EPO-related condition. Last evaluated: 2024-08-07. Review status: no assertion criteria provided. Collection method: clinical testing. Allele origin: germline.
Comment: The EPO c.410G>A variant is predicted to result in the amino acid substitution p.Arg137Gln. To our knowledge, this variant has not been reported in the literature. This variant is reported in 0.0055% of alleles in individuals of East Asian descent in gnomAD. At this time, the clinical significance of this variant is uncertain due to the absence of conclusive functional and genetic evidence.